The following is an entry in ClinVar:

NM_000487.6(ARSA):c.1222A>C (p.Ser408Arg)

Gene: ARSA (arylsulfatase A; minus strand). Cytogenetic location: 22q13.33.
Variant type: single nucleotide variant.
Coding change: c.1222A>C on transcript NM_000487.6 (MANE Select); coding-DNA position 1222, A replaced by C.
Protein change: p.Ser408Arg; replaces serine 408 with arginine.
Molecular consequence: missense variant.
Genome position (GRCh38, 1-based): chr22:50,625,453, T>G on the plus strand (A>C on the coding strand, the complement: ARSA is on the minus strand). VCF-style: chr22-50625453-T-G. GRCh37 (hg19) VCF-style: chr22-51063881-T-G.
Other names: c.1222A>C, p.Ser408Arg (NM_001085425.3, NM_001085426.3, NM_001085427.3); c.964A>C, p.Ser322Arg (NM_001085428.3, NM_001362782.2); short protein forms S322R, S408R.
Identifiers: ClinVar variation 4818439 (VCV004818439.1).
Genomic context (GRCh38, chr22:50,625,453, plus strand): 5'-GGGGCTCATGAGCAGTCAGAGAGCTGGAGGCGTGGCAGGCAGGGTCTGCAGTGGTATCAC[T>G]GTGGGCAGAGCCTGGGGAGGGGGCCAATTCTGTGCACAGGGCAAGGGCGAGAGGAGGGGC-3'
Protein context (NP_000478.3, residues 398-418): AHFFTQGSAH[Ser408Arg]DTTADPACHA

ClinVar aggregate classification (germline): Likely pathogenic (1 of 4 stars; one submission).

Conditions:
Metachromatic leukodystrophy (MLD). Also called: ARSA DEFICIENCY; CEREBROSIDE SULFATASE DEFICIENCY; Arylsulfatase A Deficiency; METACHROMATIC LEUKOENCEPHALOPATHY; SULFATIDE LIPIDOSIS; Cerebral sclerosis diffuse metachromatic form. Identifiers: Orphanet 512, MedGen C0023522, MONDO:0018868, OMIM 250100.

Submission:

Natera, Inc.
Classification: Likely pathogenic for Metachromatic leukodystrophy. Last evaluated: 2025-11-13. Review status: criteria provided, single submitter. Criteria: Natera Variant Classification Schema (03/2026). Collection method: clinical testing. Allele origin: germline.
Comment: The c.1222A>C variant in ARSA is a missense variant predicted to cause substitution of serine to arginine at amino acid 408. This variant is rare in the general population with a frequency below the threshold expected for the associated phenotype(s). This variant has been observed in one or more individuals affected with the associated recessive disease, as either homozygous or compound heterozygous with a second variant (PMID: 36918699). A different variant at the same position has been determined to be Pathogenic or Likely Pathogenic. Computational prediction algorithms indicate this variant is likely to affect gene or protein function. Given the available evidence, this variant is classified as Likely Pathogenic.

Literature cited by the submitters: PubMed 36918699.